The following is an entry in ClinVar:

NM_002528.7(NTHL1):c.133A>G (p.Ser45Gly)

Gene: NTHL1 (nth like DNA glycosylase 1; minus strand). Cytogenetic location: 16p13.3.
Variant type: single nucleotide variant.
Coding change: c.133A>G on transcript NM_002528.7 (MANE Select); coding-DNA position 133, A replaced by G.
Protein change: p.Ser45Gly; replaces serine 45 with glycine.
Molecular consequence: missense variant. On other transcripts: 5 prime UTR variant (1).
Genome position (GRCh38, 1-based): chr16:2,046,349, T>C on the plus strand (A>G on the coding strand, the complement: NTHL1 is on the minus strand). VCF-style: chr16-2046349-T-C. GRCh37 (hg19) VCF-style: chr16-2096350-T-C.
Other names: c.133A>G, p.Ser45Gly (NM_001318193.2); c.-46A>G (NM_001318194.2); c.157A>G (NM_002528.5); short protein forms S45G.
Identifiers: ClinVar variation 2067419 (VCV002067419.5), dbSNP rs2548321618, ClinGen allele CA394298037.

ClinVar aggregate classification (germline): Uncertain significance. Review status: criteria provided, multiple submitters, no conflicts (2 of 4 stars). 2 submissions from 2 submitters: Uncertain significance (2). Last evaluated 2026-06-26.

Conditions:
Hereditary cancer-predisposing syndrome. Also called: Tumor predisposition; Hereditary Cancer Syndrome; Hereditary neoplastic syndrome; Neoplastic Syndromes, Hereditary. Identifiers: Orphanet 140162, MedGen C0027672, MeSH D009386, MONDO:0015356.

Allele frequency attached by ClinVar (database versions not stated): gnomAD exomes below 0.00001.
gnomAD v4.1: 1 of 1,606,332 alleles (0.000062%); highest among the groups gnomAD compares: African/African-American, 0.0013%; no homozygotes.

Submissions (2):

Ambry Genetics
Classification: Uncertain significance for Hereditary cancer-predisposing syndrome. Last evaluated: 2026-06-26. Review status: criteria provided, single submitter. Criteria: Ambry Variant Classification Scheme 2023. Collection method: clinical testing. Allele origin: germline.
Comment: The p.S53G variant (also known as c.157A>G), located in coding exon 2 of the NTHL1 gene, results from an A to G substitution at nucleotide position 157. The serine at codon 53 is replaced by glycine, an amino acid with similar properties. This amino acid position is conserved. In addition, this alteration is predicted to be tolerated by in silico analysis. Based on the available evidence, the clinical significance of this variant remains unclear.

Labcorp Genetics (formerly Invitae), Labcorp
Classification: Uncertain significance. Last evaluated: 2023-10-10. Review status: criteria provided, single submitter. Criteria: Invitae Variant Classification Sherloc (09022015). Collection method: clinical testing. Allele origin: germline.
Comment: This sequence change replaces serine, which is neutral and polar, with glycine, which is neutral and non-polar, at codon 53 of the NTHL1 protein (p.Ser53Gly). This variant is not present in population databases (gnomAD no frequency). This variant has not been reported in the literature in individuals affected with NTHL1-related conditions. ClinVar contains an entry for this variant (Variation ID: 2067419). Algorithms developed to predict the effect of missense changes on protein structure and function output the following: SIFT: "Not Available"; PolyPhen-2: "Benign"; Align-GVGD: "Not Available". The glycine amino acid residue is found in multiple mammalian species, which suggests that this missense change does not adversely affect protein function. In summary, the available evidence is currently insufficient to determine the role of this variant in disease. Therefore, it has been classified as a Variant of Uncertain Significance.